The following is an entry in ClinVar:

NM_000038.6(APC):c.1313-19T>C

Gene: APC (APC regulator of Wnt signaling pathway; plus strand). Cytogenetic location: 5q22.2.
Variant type: single nucleotide variant.
Coding change: c.1313-19T>C on transcript NM_000038.6 (MANE Select); 19 bases into the intron before coding-DNA position 1313, T replaced by C.
Molecular consequence: intron variant.
Genome position (GRCh38, 1-based): chr5:112,821,877, T>C. VCF-style: chr5-112821877-T-C. GRCh37 (hg19) VCF-style: chr5-112157574-T-C.
Other names: c.464-19T>C (NM_001407470.1, NM_001354906.2); c.161-19T>C (NM_001407472.1, NM_001407471.1); c.1313-19T>C (NM_001407447.1, NM_001354895.2, NM_001407448.1 and 4 more transcripts); c.1010-19T>C (NM_001407456.1, NM_001407460.1, NM_001407457.1 and 5 more transcripts); c.1229-19T>C (NM_001407452.1, NM_001354899.2); c.926-19T>C (NM_001407469.1, NM_001407467.1); c.1343-19T>C (NM_001407446.1, NM_001354897.2); c.1040-19T>C (NM_001354902.2); and 5 more.
Identifiers: ClinVar variation 2889985 (VCV002889985.4), dbSNP rs2533105008, ClinGen allele CA2739270754.

ClinVar aggregate classification (germline): Likely benign. Review status: criteria provided, multiple submitters, no conflicts (2 of 4 stars). 2 submissions from 2 submitters: Likely benign (2). Last evaluated 2025-02-18.

Conditions:
Familial adenomatous polyposis 1 (FAP1). Also called: FAMILIAL ADENOMATOUS POLYPOSIS 1, ATTENUATED; POLYPOSIS, ADENOMATOUS INTESTINAL. Identifiers: MedGen C2713442, MONDO:0021056, OMIM 175100. Disease mechanism: loss of function.

Submissions (2):

Labcorp Genetics (formerly Invitae), Labcorp
Classification: Likely benign for Familial adenomatous polyposis 1. Last evaluated: 2025-02-18. Review status: criteria provided, single submitter. Criteria: Invitae Variant Classification Sherloc (09022015). Collection method: clinical testing. Allele origin: germline.

Myriad Genetics, Inc.
Classification: Likely benign for Familial adenomatous polyposis 1. Last evaluated: 2024-03-01. Review status: criteria provided, single submitter. Criteria: Myriad Autosomal Dominant, Autosomal Recessive and X-Linked Classification Criteria (2023). Collection method: clinical testing. Allele origin: unknown.
Comment: This variant is considered likely benign. This variant is intronic and is not expected to impact mRNA splicing.